The following is an entry in ClinVar:

ClinVar aggregate classification (germline): Uncertain significance. Review status: criteria provided, multiple submitters, no conflicts (2 of 4 stars). 4 submissions from 4 submitters: Uncertain significance (3). 1 of the submissions does not count toward it. Last evaluated 2026-08-06.

Conditions:
Neuropathy, hereditary motor and sensory, type 6B (HMSN6B). Also called: NEUROPATHY, HEREDITARY MOTOR AND SENSORY, TYPE VIB, WITH OPTIC ATROPHY; HMSN VIB; CHARCOT-MARIE-TOOTH DISEASE, TYPE 6B; Neuropathy, hereditary motor and sensory, type VIB. Identifiers: MedGen C4225302, MONDO:0014671, OMIM 616505.
Optic atrophy. Identifiers: MedGen C0029124, MONDO:0003608, HP:0000648.

Allele frequency attached by ClinVar (database versions not stated): gnomAD exomes below 0.00001 and 0.00001; ExAC 0.00001; gnomAD 0.00002; TOPMed 0.00002.
gnomAD v4.1: 23 of 1,605,202 alleles (0.0014%); highest among the groups gnomAD compares: Non-Finnish European, 0.0018%; no homozygotes.

Submissions (4):

GeneDx
Classification: Uncertain significance. Last evaluated: 2026-08-06. Review status: criteria provided, single submitter. Criteria: GeneDx Variant Classification Process June 2021. Collection method: clinical testing. Allele origin: germline.
Comment: Not observed at significant frequency in large population cohorts (gnomAD); In silico analysis supports that this missense variant has a deleterious effect on protein structure/function; Has not been previously published as pathogenic or benign to our knowledge; In silico analysis is inconclusive as to whether the variant alters gene splicing. In the absence of RNA/functional studies, the actual effect of this sequence change is unknown.

Blueprint Genetics
Classification: Uncertain significance. Last evaluated: 2024-09-10. Review status: criteria provided, single submitter. Criteria: ACMG Guidelines, 2015. Collection method: clinical testing. Allele origin: germline.

Labcorp Genetics (formerly Invitae), Labcorp
Classification: Uncertain significance for Neuropathy, hereditary motor and sensory, type 6B. Last evaluated: 2021-08-27. Review status: criteria provided, single submitter. Criteria: Invitae Variant Classification Sherloc (09022015). Collection method: clinical testing. Allele origin: germline.
Comment: This sequence change replaces arginine with cysteine at codon 124 of the SLC25A46 protein (p.Arg124Cys). The arginine residue is highly conserved and there is a large physicochemical difference between arginine and cysteine. This variant is present in population databases (rs750732884, ExAC 0.01%). This variant has not been reported in the literature in individuals affected with SLC25A46-related conditions. Algorithms developed to predict the effect of missense changes on protein structure and function (SIFT, PolyPhen-2, Align-GVGD) all suggest that this variant is likely to be disruptive. In summary, the available evidence is currently insufficient to determine the role of this variant in disease. Therefore, it has been classified as a Variant of Uncertain Significance.

Institute of Human Genetics, Univ. Regensburg, Univ. Regensburg
Classification: Uncertain significance for Optic atrophy. Last evaluated: 2019-01-01. Review status: no assertion criteria provided. Criteria: ACMG Guidelines, 2015. Collection method: clinical testing. Allele origin: germline. Affected: yes. Not counted in ClinVar's aggregate classification.

NM_138773.4(SLC25A46):c.370C>T (p.Arg124Cys)

Gene: SLC25A46 (solute carrier family 25 member 46; plus strand). Cytogenetic location: 5q22.1.
Variant type: single nucleotide variant.
Coding change: c.370C>T on transcript NM_138773.4 (MANE Select); coding-DNA position 370, C replaced by T.
Protein change: p.Arg124Cys; replaces arginine 124 with cysteine.
Molecular consequence: missense variant. On other transcripts: non-coding transcript variant (1).
Genome position (GRCh38, 1-based): chr5:110,743,773, C>T. VCF-style: chr5-110743773-C-T. GRCh37 (hg19) VCF-style: chr5-110079474-C-T.
Other names: c.370C>T, p.Arg124Cys (NM_001303249.3); c.97C>T, p.Arg33Cys (NM_001303250.3); short protein forms R124C, R33C.
Identifiers: ClinVar variation 940073 (VCV000940073.11), dbSNP rs750732884, ClinGen allele CA3364566.